The following is an entry in ClinVar:

NM_005911.6(MAT2A):c.697G>C (p.Ala233Pro)

Genes: GGCX (gamma-glutamyl carboxylase; minus strand), MAT2A (methionine adenosyltransferase 2A; plus strand). Cytogenetic location: 2p11.2.
Variant type: single nucleotide variant.
Coding change: c.697G>C on transcript NM_005911.6 (MANE Select); coding-DNA position 697, G replaced by C.
Protein change: p.Ala233Pro; replaces alanine 233 with proline.
Molecular consequence: missense variant.
Genome position (GRCh38, 1-based): chr2:85,542,302, G>C. VCF-style: chr2-85542302-G-C. GRCh37 (hg19) VCF-style: chr2-85769425-G-C.
Other names: short protein forms A233P.
Identifiers: ClinVar variation 2807159 (VCV002807159.3), dbSNP rs895763844, ClinGen allele CA347477348.

ClinVar aggregate classification (germline): Uncertain significance (1 of 4 stars; one submission).

Conditions:
Familial thoracic aortic aneurysm and aortic dissection (TAAD). Also called: Thoracic aortic aneurysms and dissections. Identifiers: Orphanet 91387, MedGen C4707243, MONDO:0019625.

gnomAD v4.1: 1 of 1,614,212 alleles (0.000062%); highest among the groups gnomAD compares: Non-Finnish European, 0.000085%; no homozygotes.

Submission:

Labcorp Genetics (formerly Invitae), Labcorp
Classification: Uncertain significance for Familial thoracic aortic aneurysm and aortic dissection. Last evaluated: 2024-01-04. Review status: criteria provided, single submitter. Criteria: Invitae Variant Classification Sherloc (09022015). Collection method: clinical testing. Allele origin: germline.
Comment: This sequence change replaces alanine, which is neutral and non-polar, with proline, which is neutral and non-polar, at codon 233 of the MAT2A protein (p.Ala233Pro). This variant is not present in population databases (gnomAD no frequency). This variant has not been reported in the literature in individuals affected with MAT2A-related conditions. Advanced modeling of protein sequence and biophysical properties (such as structural, functional, and spatial information, amino acid conservation, physicochemical variation, residue mobility, and thermodynamic stability) performed at Invitae indicates that this missense variant is not expected to disrupt MAT2A protein function with a negative predictive value of 80%. In summary, the available evidence is currently insufficient to determine the role of this variant in disease. Therefore, it has been classified as a Variant of Uncertain Significance.